The following is an entry in ClinVar:

ClinVar aggregate classification (germline): Uncertain significance. Review status: criteria provided, multiple submitters, no conflicts (2 of 4 stars). 2 submissions from 2 submitters: Uncertain significance (2). Last evaluated 2026-02-23.

Conditions:
COL4A2-related disorder. Also called: COL4A2-related disorders; COL4A2-related condition.

Allele frequency attached by ClinVar (database versions not stated): gnomAD exomes below 0.00001.

Submissions (2):

PreventionGenetics, part of Exact Sciences
Classification: Uncertain significance for COL4A2-related condition. Last evaluated: 2026-02-23. Review status: criteria provided, single submitter. Criteria: ACMG Guidelines, 2015. Collection method: clinical testing. Allele origin: germline.
Comment: The COL4A2 c.292G>A variant is predicted to result in the amino acid substitution p.Val98Ile. To our knowledge, this variant has not been reported in the literature or in a large population database (gnomAD), indicating this variant is rare. At this time, the clinical significance of this variant is uncertain due to the absence of conclusive functional and genetic evidence.

Labcorp Genetics (formerly Invitae), Labcorp
Classification: Uncertain significance. Last evaluated: 2023-02-26. Review status: criteria provided, single submitter. Criteria: Invitae Variant Classification Sherloc (09022015). Collection method: clinical testing. Allele origin: germline.
Comment: In summary, the available evidence is currently insufficient to determine the role of this variant in disease. Therefore, it has been classified as a Variant of Uncertain Significance. Advanced modeling of protein sequence and biophysical properties (such as structural, functional, and spatial information, amino acid conservation, physicochemical variation, residue mobility, and thermodynamic stability) performed at Invitae indicates that this missense variant is not expected to disrupt COL4A2 protein function. This variant has not been reported in the literature in individuals affected with COL4A2-related conditions. This variant is not present in population databases (gnomAD no frequency). This sequence change replaces valine, which is neutral and non-polar, with isoleucine, which is neutral and non-polar, at codon 98 of the COL4A2 protein (p.Val98Ile).

NM_001846.4(COL4A2):c.292G>A (p.Val98Ile)

Gene: COL4A2 (collagen type IV alpha 2 chain; plus strand). Cytogenetic location: 13q34.
Variant type: single nucleotide variant.
Coding change: c.292G>A on transcript NM_001846.4 (MANE Select); coding-DNA position 292, G replaced by A.
Protein change: p.Val98Ile; replaces valine 98 with isoleucine.
Molecular consequence: missense variant.
Genome position (GRCh38, 1-based): chr13:110,424,845, G>A. VCF-style: chr13-110424845-G-A. GRCh37 (hg19) VCF-style: chr13-111077192-G-A.
Other names: c.292G>A (NM_001846.3); short protein forms V98I.
Identifiers: ClinVar variation 2986952 (VCV002986952.4), dbSNP rs2139454008, ClinGen allele CA388728095.